The following is an entry in ClinVar:

NM_182961.4(SYNE1):c.5026G>T (p.Ala1676Ser)

Gene: SYNE1 (spectrin repeat containing nuclear envelope protein 1; minus strand). Cytogenetic location: 6q25.2.
Variant type: single nucleotide variant.
Coding change: c.5026G>T on transcript NM_182961.4 (MANE Select); coding-DNA position 5026, G replaced by T.
Protein change: p.Ala1676Ser; replaces alanine 1676 with serine.
Molecular consequence: missense variant.
Genome position (GRCh38, 1-based): chr6:152,427,767, C>A on the plus strand (G>T on the coding strand, the complement: SYNE1 is on the minus strand). VCF-style: chr6-152427767-C-A. GRCh37 (hg19) VCF-style: chr6-152748902-C-A.
Other names: c.5047G>T, p.Ala1683Ser (NM_033071.5); short protein forms A1676S, A1683S.
Identifiers: ClinVar variation 1971730 (VCV001971730.5), dbSNP rs2498421436, ClinGen allele CA366139557.
Genomic context (GRCh38, chr6:152,427,767, plus strand): 5'-GTTCACCTTCCACTTTGACTCTGTCTGCAGAAATGTCCATTTCTGGGGAACTGGCTTTAG[C>A]TTCACCCCGCTCTAACCAGGTCAAAAAGGATGATAGTTCTTTCTCTAGCCTAAAGGAAGC-3'
Protein context (NP_892006.3, residues 1666-1686): SFLTWLERGE[Ala1676Ser]KASSPEMDIS

ClinVar aggregate classification (germline): Uncertain significance (1 of 4 stars; one submission).

Conditions:
Emery-Dreifuss muscular dystrophy 4, autosomal dominant (EDMD4). Also called: EMERY-DREIFUSS MUSCULAR DYSTROPHY 4 WITH VARIABLE FEATURES. Identifiers: Orphanet 261, MedGen C2751807, MONDO:0013071, OMIM 612998.
Autosomal recessive ataxia, Beauce type. Also called: SYNE1 Deficiency; Spinocerebellar ataxia, autosomal recessive 8; ATAXIA, RECESSIVE, OF BEAUCE; SYNE1-Related Autosomal Recessive Cerebellar Ataxia. Identifiers: Orphanet 88644, MedGen C1853116, MONDO:0012549, OMIM 610743.

Submission:

Labcorp Genetics (formerly Invitae), Labcorp
Classification: Uncertain significance for Emery-Dreifuss muscular dystrophy 4, autosomal dominant; Autosomal recessive ataxia, Beauce type. Last evaluated: 2022-09-12. Review status: criteria provided, single submitter. Criteria: Invitae Variant Classification Sherloc (09022015). Collection method: clinical testing. Allele origin: germline.
Comment: In summary, the available evidence is currently insufficient to determine the role of this variant in disease. Therefore, it has been classified as a Variant of Uncertain Significance. Algorithms developed to predict the effect of missense changes on protein structure and function are either unavailable or do not agree on the potential impact of this missense change (SIFT: "Deleterious"; PolyPhen-2: "Benign"; Align-GVGD: "Class C0"). This variant has not been reported in the literature in individuals affected with SYNE1-related conditions. This variant is not present in population databases (gnomAD no frequency). This sequence change replaces alanine, which is neutral and non-polar, with serine, which is neutral and polar, at codon 1683 of the SYNE1 protein (p.Ala1683Ser).